The following is an entry in ClinVar:

ClinVar aggregate classification (germline): Uncertain significance (1 of 4 stars; one submission).

gnomAD v4.1: 1 of 1,614,022 alleles (0.000062%); highest among the groups gnomAD compares: South Asian, 0.0011%; no homozygotes.

Submission:

GeneDx
Classification: Uncertain significance. Last evaluated: 2024-05-02. Review status: criteria provided, single submitter. Criteria: GeneDx Variant Classification Process June 2021. Collection method: clinical testing. Allele origin: germline. Affected: yes.
Comment: Not observed at significant frequency in large population cohorts (gnomAD); In silico analysis indicates that this missense variant does not alter protein structure/function; Has not been previously published as pathogenic or benign to our knowledge

NM_182931.3(KMT2E):c.863A>G (p.Asn288Ser)

Gene: KMT2E (lysine methyltransferase 2E (inactive); plus strand). Cytogenetic location: 7q22.3.
Variant type: single nucleotide variant.
Coding change: c.863A>G on transcript NM_182931.3 (MANE Select); coding-DNA position 863, A replaced by G.
Protein change: p.Asn288Ser; replaces asparagine 288 with serine.
Molecular consequence: missense variant.
Genome position (GRCh38, 1-based): chr7:105,077,057, A>G. VCF-style: chr7-105077057-A-G. GRCh37 (hg19) VCF-style: chr7-104717504-A-G.
Other names: c.863A>G, p.Asn288Ser (NM_001410908.1, NM_018682.4); short protein forms N288S.
Identifiers: ClinVar variation 3375899 (VCV003375899.1).